The following is an entry in ClinVar:

ClinVar aggregate classification (germline): Uncertain significance. Review status: criteria provided, multiple submitters, no conflicts (2 of 4 stars). 2 submissions from 2 submitters: Uncertain significance (2). Last evaluated 2025-08-20.

Allele frequency attached by ClinVar (database versions not stated): gnomAD exomes 0.00003; ExAC 0.00013; gnomAD 0.00019; ESP Exome Variant Server 0.00024; TOPMed 0.00031.
gnomAD v4.1: 72 of 1,569,084 alleles (0.0046%); highest among the groups gnomAD compares: African/African-American, 0.066%; no homozygotes.

Submissions (2):

Ambry Genetics
Classification: Uncertain significance. Last evaluated: 2025-08-20. Review status: criteria provided, single submitter. Criteria: Ambry Variant Classification Scheme 2023. Collection method: clinical testing. Allele origin: germline.

Labcorp Genetics (formerly Invitae), Labcorp
Classification: Uncertain significance. Last evaluated: 2025-06-12. Review status: criteria provided, single submitter. Criteria: Invitae Variant Classification Sherloc (09022015). Collection method: clinical testing. Allele origin: germline.
Comment: This sequence change replaces valine, which is neutral and non-polar, with isoleucine, which is neutral and non-polar, at codon 613 of the FUK protein (p.Val613Ile). This variant is present in population databases (rs370982504, gnomAD 0.06%), and has an allele count higher than expected for a pathogenic variant. This variant has not been reported in the literature in individuals affected with FUK-related conditions. ClinVar contains an entry for this variant (Variation ID: 2195454). An algorithm developed to predict the effect of missense changes on protein structure and function (PolyPhen-2) suggests that this variant is likely to be tolerated. In summary, the available evidence is currently insufficient to determine the role of this variant in disease. Therefore, it has been classified as a Variant of Uncertain Significance.

NM_145059.3(FCSK):c.1837G>A (p.Val613Ile)

Gene: FCSK (fucose kinase; plus strand). Cytogenetic location: 16q22.1.
Variant type: single nucleotide variant.
Coding change: c.1837G>A on transcript NM_145059.3 (MANE Select); coding-DNA position 1837, G replaced by A.
Protein change: p.Val613Ile; replaces valine 613 with isoleucine.
Molecular consequence: missense variant.
Genome position (GRCh38, 1-based): chr16:70,474,188, G>A. VCF-style: chr16-70474188-G-A. GRCh37 (hg19) VCF-style: chr16-70508091-G-A.
Other names: c.1837G>A (NM_145059.2); short protein forms V613I.
Identifiers: ClinVar variation 2195454 (VCV002195454.5), dbSNP rs370982504, ClinGen allele CA8143429.